The following is an entry in ClinVar:

ClinVar aggregate classification (germline): Benign. Review status: criteria provided, multiple submitters, no conflicts (2 of 4 stars). 3 submissions from 3 submitters: Benign (3). Last evaluated 2024-11-27.

Submissions (3):

Blueprint Genetics
Classification: Benign. Last evaluated: 2024-11-27. Review status: criteria provided, single submitter. Criteria: ACMG Guidelines, 2015. Collection method: clinical testing. Allele origin: germline.

Women's Health and Genetics/Laboratory Corporation of America, LabCorp
Classification: Benign. Last evaluated: 2021-10-13. Review status: criteria provided, single submitter. Criteria: LabCorp Variant Classification Summary - May 2015. Collection method: clinical testing. Allele origin: germline.
Comment: Variant summary: RB1 c.1390-17dupT elongates a polythymidine tract by one nucleotide that is located close to a canonical splice site and therefore could affect mRNA splicing, leading to a significantly altered protein sequence. 4/4 computational tools predict no significant impact on normal splicing. However, these predictions have yet to be confirmed by functional studies. The variant allele was found at a frequency of 0.031 in 121762 control chromosomes in the gnomAD database (v3.1 genomes dataset), including 145 homozygotes. The observed variant frequency is approximately 700-fold higher than the estimated maximal expected allele frequency for a pathogenic variant in RB1 causing Retinoblastoma phenotype (4.2e-05), strongly suggesting that the variant is benign. To our knowledge, no occurrence of c.1390-17dupT in individuals affected with Retinoblastoma and no experimental evidence demonstrating its impact on protein function have been reported. One clinical diagnostic laboratory has submitted clinical-significance assessments for this variant to ClinVar after 2014 without evidence for independent evaluation, and classified the variant as benign. Based on the evidence outlined above, the variant was classified as benign.

GeneDx
Classification: Benign. Last evaluated: 2019-10-05. Review status: criteria provided, single submitter. Criteria: GeneDx Variant Classification Process June 2021. Collection method: clinical testing. Allele origin: germline. Affected: yes.

Literature cited by the submitters: PubMed 8651278 (cited by Women's Health and Genetics/Laboratory Corporation of America, LabCorp).

NM_000321.3(RB1):c.1390-17dup

Gene: RB1 (RB transcriptional corepressor 1; plus strand). Cytogenetic location: 13q14.2.
Variant type: Duplication.
Coding change: c.1390-17dup on transcript NM_000321.3 (MANE Select); 17 bases into the intron before coding-DNA position 1390, one base duplicated (T; older notation c.1390-17dupT).
Molecular consequence: intron variant.
Genome position (GRCh38, 1-based): chr13:48,380,036, T duplicated; the last of 13 consecutive T bases (chr13:48,380,024-48,380,036); duplicating any one gives the same sequence. VCF-style (leftmost placement, unchanged base first): chr13-48380023-C-CT. GRCh37 (hg19) VCF-style: chr13-48954159-C-CT.
Identifiers: ClinVar variation 1241851 (VCV001241851.4), dbSNP rs753535084, ClinGen allele CA6978892.